The following is an entry in ClinVar:

ClinVar aggregate classification (germline): Uncertain significance. Review status: criteria provided, multiple submitters, no conflicts (2 of 4 stars). 3 submissions from 3 submitters: Uncertain significance (3). Last evaluated 2025-09-17.

Conditions:
Hereditary cancer-predisposing syndrome. Also called: Neoplastic Syndromes, Hereditary; Tumor predisposition; Hereditary Cancer Syndrome; Hereditary neoplastic syndrome. Identifiers: Orphanet 140162, MedGen C0027672, MeSH D009386, MONDO:0015356.
Oligodontia-cancer predisposition syndrome. Also called: TOOTH AGENESIS-COLORECTAL CANCER SYNDROME. Identifiers: Orphanet 300576, MedGen C1837750, MONDO:0012075, OMIM 608615. Disease mechanism: loss of function.

Allele frequency attached by ClinVar (database versions not stated): gnomAD exomes below 0.00001.

Submissions (3):

Mayo Clinic Laboratories, Mayo Clinic
Classification: Uncertain significance. Last evaluated: 2025-09-17. Review status: criteria provided, single submitter. Criteria: ACMG Guidelines, 2015. Collection method: clinical testing. Allele origin: germline. Observed: 1 variant allele.
Comment: BP4, PM2_supporting

Ambry Genetics
Classification: Uncertain significance for Hereditary cancer-predisposing syndrome. Last evaluated: 2025-06-06. Review status: criteria provided, single submitter. Criteria: Ambry Variant Classification Scheme 2023. Collection method: clinical testing. Allele origin: germline.
Comment: The p.P13S variant (also known as c.37C>T), located in coding exon 1 of the AXIN2 gene, results from a C to T substitution at nucleotide position 37. The proline at codon 13 is replaced by serine, an amino acid with similar properties. This amino acid position is conserved. In addition, this alteration is predicted to be tolerated by in silico analysis. Since supporting evidence is limited at this time, the clinical significance of this alteration remains unclear.

Labcorp Genetics (formerly Invitae), Labcorp
Classification: Uncertain significance for Oligodontia-cancer predisposition syndrome. Last evaluated: 2023-07-12. Review status: criteria provided, single submitter. Criteria: Invitae Variant Classification Sherloc (09022015). Collection method: clinical testing. Allele origin: germline.
Comment: In summary, the available evidence is currently insufficient to determine the role of this variant in disease. Therefore, it has been classified as a Variant of Uncertain Significance. Advanced modeling of protein sequence and biophysical properties (such as structural, functional, and spatial information, amino acid conservation, physicochemical variation, residue mobility, and thermodynamic stability) performed at Invitae indicates that this missense variant is not expected to disrupt AXIN2 protein function. ClinVar contains an entry for this variant (Variation ID: 1735041). This variant has not been reported in the literature in individuals affected with AXIN2-related conditions. This variant is present in population databases (no rsID available, gnomAD 0.003%). This sequence change replaces proline, which is neutral and non-polar, with serine, which is neutral and polar, at codon 13 of the AXIN2 protein (p.Pro13Ser).

NM_004655.4(AXIN2):c.37C>T (p.Pro13Ser)

Gene: AXIN2 (axin 2; minus strand). Cytogenetic location: 17q24.1.
Variant type: single nucleotide variant.
Coding change: c.37C>T on transcript NM_004655.4 (MANE Select); coding-DNA position 37, C replaced by T.
Protein change: p.Pro13Ser; replaces proline 13 with serine.
Molecular consequence: missense variant.
Genome position (GRCh38, 1-based): chr17:65,558,584, G>A on the plus strand (C>T on the coding strand, the complement: AXIN2 is on the minus strand). VCF-style: chr17-65558584-G-A. GRCh37 (hg19) VCF-style: chr17-63554702-G-A.
Other names: p.Pro13Ser; c.37C>T, p.Pro13Ser (NM_001363813.1); short protein forms P13S.
Identifiers: ClinVar variation 1735041 (VCV001735041.7), dbSNP rs1375330430, ClinGen allele CA400682415.